The following is an entry in ClinVar:

ClinVar aggregate classification (germline): Uncertain significance. Review status: criteria provided, multiple submitters, no conflicts (2 of 4 stars). 3 submissions from 3 submitters: Uncertain significance (3). Last evaluated 2024-09-17.

Conditions:
Episodic ataxia type 2 (EA2). Also called: ATAXIA, EPISODIC, WITH NYSTAGMUS; ATAXIA, FAMILIAL PAROXYSMAL; CEREBELLAR ATAXIA, PAROXYSMAL, ACETAZOLAMIDE-RESPONSIVE; CEREBELLOPATHY, HEREDITARY PAROXYSMAL; EPISODIC ATAXIA, NYSTAGMUS-ASSOCIATED; ACETAZOLAMIDE-RESPONSIVE HEREDITARY PAROXYSMAL CEREBELLAR ATAXIA. Identifiers: Orphanet 97, MedGen C1720416, MONDO:0007163, OMIM 108500.
Developmental and epileptic encephalopathy, 42 (DEE42A). Also called: Epileptic encephalopathy, early infantile, 42; DEVELOPMENTAL AND EPILEPTIC ENCEPHALOPATHY 42A; EPILEPTIC ENCEPHALOPATHY, EARLY INFANTILE, 42A. Identifiers: MedGen C4310716, MONDO:0014917, OMIM 617106.

Allele frequency attached by ClinVar (database versions not stated): TOPMed below 0.00001; gnomAD 0.00001.
gnomAD v4.1: 17 of 1,544,420 alleles (0.0011%); highest among the groups gnomAD compares: Non-Finnish European, 0.0014%; no homozygotes.

Submissions (3):

Labcorp Genetics (formerly Invitae), Labcorp
Classification: Uncertain significance for Developmental and epileptic encephalopathy, 42; Episodic ataxia type 2. Last evaluated: 2024-09-17. Review status: criteria provided, single submitter. Criteria: Invitae Variant Classification Sherloc (09022015). Collection method: clinical testing. Allele origin: germline.
Comment: This sequence change replaces arginine, which is basic and polar, with tryptophan, which is neutral and slightly polar, at codon 2238 of the CACNA1A protein (p.Arg2238Trp). This variant is present in population databases (no rsID available, gnomAD 0.005%). This variant has not been reported in the literature in individuals affected with CACNA1A-related conditions. ClinVar contains an entry for this variant (Variation ID: 1207531). Invitae Evidence Modeling of protein sequence and biophysical properties (such as structural, functional, and spatial information, amino acid conservation, physicochemical variation, residue mobility, and thermodynamic stability) indicates that this missense variant is not expected to disrupt CACNA1A protein function with a negative predictive value of 95%. In summary, the available evidence is currently insufficient to determine the role of this variant in disease. Therefore, it has been classified as a Variant of Uncertain Significance.

Blueprint Genetics
Classification: Uncertain significance. Last evaluated: 2023-01-25. Review status: criteria provided, single submitter. Criteria: ACMG Guidelines, 2015. Collection method: clinical testing. Allele origin: germline.

GeneDx
Classification: Uncertain significance. Last evaluated: 2020-09-24. Review status: criteria provided, single submitter. Criteria: GeneDx Variant Classification Process June 2021. Collection method: clinical testing. Allele origin: germline. Affected: yes.
Comment: In silico analysis supports that this missense variant has a deleterious effect on protein structure/function; Has not been previously published as pathogenic or benign to our knowledge

NM_001127222.2(CACNA1A):c.6709C>T (p.Arg2237Trp)

Genes: CACNA1A (calcium voltage-gated channel subunit alpha1 A; minus strand), LOC130063717 (ATAC-STARR-seq lymphoblastoid silent region 10203; plus strand). Cytogenetic location: 19p13.13.
Variant type: single nucleotide variant.
Coding change: c.6709C>T on transcript NM_001127222.2 (MANE Select); coding-DNA position 6709, C replaced by T.
Protein change: p.Arg2237Trp; replaces arginine 2237 with tryptophan.
Molecular consequence: missense variant.
Genome position (GRCh38, 1-based): chr19:13,208,827, G>A on the plus strand (C>T on the coding strand, the complement: CACNA1A is on the minus strand). VCF-style: chr19-13208827-G-A. GRCh37 (hg19) VCF-style: chr19-13319641-G-A.
Other names: c.6727C>T, p.Arg2243Trp (NM_000068.4, NM_023035.3); c.6712C>T, p.Arg2238Trp (NM_001127221.2); c.6718C>T, p.Arg2240Trp (NM_001174080.2); short protein forms R2237W, R2238W, R2240W, R2243W.
Identifiers: ClinVar variation 1207531 (VCV001207531.9), dbSNP rs1415336869, ClinGen allele CA404329607.
Genomic context (GRCh38, chr19:13,208,827, plus strand): 5'-CCATGTGCTCTCGGCCCTCGCTGGGCGAGCGGGACCAGCGCTGGTCCCGAGCCCGTGCCC[G>A]GCCGTGGTCCGGCCGTTCCTGGGCATAGCGGTCCTTGTCGGGGGGCGGGGGATGGTGGTG-3'
Protein context (NP_001120694.1, residues 2227-2247): RYAQERPDHG[Arg2237Trp]ARARDQRWSR